The following is an entry in ClinVar:

ClinVar aggregate classification (germline): Uncertain significance. Review status: criteria provided, multiple submitters, no conflicts (2 of 4 stars). 2 submissions from 2 submitters: Uncertain significance (2). Last evaluated 2026-02-02.

Conditions:
PKD1-related disorder. Also called: PKD1-related condition.
Polycystic kidney disease, adult type (PKD1). Also called: Polycystic Kidney Disease 1, Autosomal Dominant; Polycystic kidney disease 1; Polycystic kidney disease 1, severe; POLYCYSTIC KIDNEY DISEASE 1 WITH OR WITHOUT POLYCYSTIC LIVER DISEASE; Polycystic Kidney, Autosomal Dominant; POLYCYSTIC KIDNEY DISEASE, ADULT, TYPE I. Identifiers: MedGen C3149841, MONDO:0008263, OMIM 173900.

Submissions (2):

PreventionGenetics, part of Exact Sciences
Classification: Uncertain significance for PKD1-related condition. Last evaluated: 2026-02-02. Review status: criteria provided, single submitter. Criteria: ACMG Guidelines, 2015. Collection method: clinical testing. Allele origin: germline.
Comment: The PKD1 c.171_191del21 variant is predicted to result in an in-frame deletion (p.Thr58_Arg64del). To our knowledge, this variant has not been reported in the literature or in a large population database (gnomAD), indicating this variant is rare. At this time, the clinical significance of this variant is uncertain due to the absence of conclusive functional and genetic evidence.

Department of Pathology and Laboratory Medicine, Sinai Health System
Classification: Uncertain significance for Polycystic kidney disease, adult type. Last evaluated: 2019-03-13. Review status: criteria provided, single submitter. Criteria: ACMG Guidelines, 2015. Collection method: clinical testing. Allele origin: germline. Affected: yes.

NM_001009944.3(PKD1):c.171_191del (p.Thr58_Arg64del)

Gene: PKD1 (polycystin 1, transient receptor potential channel interacting; minus strand). Cytogenetic location: 16p13.3.
Variant type: Deletion.
Coding change: c.171_191del on transcript NM_001009944.3 (MANE Select); coding-DNA positions 171 to 191, 21 bases deleted (GACGCTCGGTCCCGCGCTGCG).
Protein change: p.Thr58_Arg64del.
Genome position (GRCh38, 1-based): chr16:2,135,499-2,135,519, CGCAGCGCGGGACCGAGCGTC deleted on the plus strand (GACGCTCGGTCCCGCGCTGCG on the coding strand, the reverse complement: PKD1 is on the minus strand); deleting any 21 consecutive bases within chr16:2,135,499-2,135,525 gives the same sequence; the c. name uses the placement nearest the transcript's 3' end. VCF-style (leftmost placement, unchanged base first): chr16-2135498-GCGCAGCGCGGGACCGAGCGTC-G. GRCh37 (hg19) VCF-style: chr16-2185499-GCGCAGCGCGGGACCGAGCGTC-G.
Other names: c.171_191del21 (NM_001009944.2); c.171_191del, p.Thr58_Arg64del (NM_000296.4).
Identifiers: ClinVar variation 3780387 (VCV003780387.2).